The following is an entry in ClinVar:

ClinVar aggregate classification (germline): Conflicting classifications of pathogenicity. Review status: criteria provided, conflicting classifications (1 of 4 stars). 3 submissions from 3 submitters: Uncertain significance (1); Likely benign (2). Last evaluated 2025-08-01.

Conditions:
Neuropathy, hereditary sensory and autonomic, type 1C. Also called: HSAN IC; HSN IC. Identifiers: Orphanet 36386, MedGen C3150896, MONDO:0013337, OMIM 613640.

Submissions (3):

CeGaT Center for Human Genetics Tuebingen
Classification: Likely benign. Last evaluated: 2025-08-01. Review status: criteria provided, single submitter. Criteria: CeGaT Center For Human Genetics Tuebingen Variant Classification Criteria Version 2. Collection method: clinical testing. Allele origin: germline. Affected: yes. Observed: 1 variant allele.
Comment: SPTLC2: PM4, BS1

Labcorp Genetics (formerly Invitae), Labcorp
Classification: Uncertain significance for Neuropathy, hereditary sensory and autonomic, type 1C. Last evaluated: 2024-12-30. Review status: criteria provided, single submitter. Criteria: Invitae Variant Classification Sherloc (09022015). Collection method: clinical testing. Allele origin: germline.
Comment: This variant, c.117_122dup, results in the insertion of 2 amino acid(s) of the SPTLC2 protein (p.Ala41_Ala42dup), but otherwise preserves the integrity of the reading frame. This variant is present in population databases (rs767978553, gnomAD 0.05%), and has an allele count higher than expected for a pathogenic variant. This variant has not been reported in the literature in individuals affected with SPTLC2-related conditions. ClinVar contains an entry for this variant (Variation ID: 681064). Experimental studies and prediction algorithms are not available or were not evaluated, and the functional significance of this variant is currently unknown. In summary, the available evidence is currently insufficient to determine the role of this variant in disease. Therefore, it has been classified as a Variant of Uncertain Significance.

GeneDx
Classification: Likely benign. Last evaluated: 2018-03-27. Review status: criteria provided, single submitter. Criteria: GeneDx Variant Classification (06012015). Collection method: clinical testing. Allele origin: germline. Affected: yes.
Comment: This variant is considered likely benign or benign based on one or more of the following criteria: it is a conservative change, it occurs at a poorly conserved position in the protein, it is predicted to be benign by multiple in silico algorithms, and/or has population frequency not consistent with disease.

NM_004863.4(SPTLC2):c.105AGCCGC[4] (p.Ala41_Ala42dup)

Gene: SPTLC2 (serine palmitoyltransferase long chain base subunit 2; minus strand). Cytogenetic location: 14q24.3.
Variant type: Microsatellite.
Coding change: c.105AGCCGC[4] on transcript NM_004863.4 (MANE Select); four copies in a row of the 6-base unit AGCCGC starting at c.105; the reference has three copies in a row; one copy, 6 bases duplicated.
Protein change: p.Ala41_Ala42dup.
Molecular consequence: inframe insertion.
Genome position (GRCh38, 1-based): chr14:77,616,458-77,616,463, GCGGCT duplicated on the plus strand (AGCCGC on the coding strand, the reverse complement: SPTLC2 is on the minus strand); duplicating any 6 consecutive bases within chr14:77,616,458-77,616,477 gives the same sequence; the position shown is the placement nearest the transcript's 3' end. VCF-style (leftmost placement, unchanged base first): chr14-77616457-G-GGCGGCT. GRCh37 (hg19) VCF-style: chr14-78082800-G-GGCGGCT.
Other names: c.117_122dupAGCCGC (NM_004863.3).
Identifiers: ClinVar variation 681064 (VCV000681064.18), dbSNP rs577436926, ClinGen allele CA7289518.
Genomic context (GRCh38, chr14:77,616,457, plus strand): 5'-CTCCGCCAGTCCACACCGCCACCCCGGCCCCGCCGCGCGGGCCCCTCGTACCTGGCCGGC[G>GGCGGCT]GCGGCTGCGGCTGCGGCTGCAGCGCTGCTCCTCACGTACCCGTTCCGTACTTCCCCGTTC-3'